The following is an entry in ClinVar:

NM_000038.6(APC):c.2507C>A (p.Ser836Ter)

Gene: APC (APC regulator of Wnt signaling pathway; plus strand). Cytogenetic location: 5q22.2.
Variant type: single nucleotide variant.
Coding change: c.2507C>A on transcript NM_000038.6 (MANE Select); coding-DNA position 2507, C replaced by A.
Protein change: p.Ser836Ter; replaces serine 836 with a stop codon.
Molecular consequence: nonsense.
Genome position (GRCh38, 1-based): chr5:112,838,101, C>A. VCF-style: chr5-112838101-C-A. GRCh37 (hg19) VCF-style: chr5-112173798-C-A.
Other names: c.2507C>A, p.Ser836Ter (NM_001127510.3, NM_001354895.2); c.2453C>A, p.Ser818Ter (NM_001127511.3); c.2561C>A, p.Ser854Ter (NM_001354896.2); c.2537C>A, p.Ser846Ter (NM_001354897.2); c.2432C>A, p.Ser811Ter (NM_001354898.2); c.2423C>A, p.Ser808Ter (NM_001354899.2); c.2384C>A, p.Ser795Ter (NM_001354900.2); c.2330C>A, p.Ser777Ter (NM_001354901.2); and 5 more; short protein forms S553*, S676*, S710*, S735*, S745*, S777*, S795*, S808*.
Identifiers: ClinVar variation 1072880 (VCV001072880.50), dbSNP rs1580623270, ClinGen allele CA16026826.

ClinVar aggregate classification (germline): Pathogenic. Review status: criteria provided, multiple submitters, no conflicts (2 of 4 stars). 3 submissions from 3 submitters: Pathogenic (3). Last evaluated 2023-05-04.

Conditions:
Hereditary cancer-predisposing syndrome. Also called: Tumor predisposition; Hereditary neoplastic syndrome; Neoplastic Syndromes, Hereditary; Hereditary Cancer Syndrome. Identifiers: Orphanet 140162, MedGen C0027672, MeSH D009386, MONDO:0015356.
Familial adenomatous polyposis 1 (FAP1). Also called: POLYPOSIS, ADENOMATOUS INTESTINAL; FAMILIAL ADENOMATOUS POLYPOSIS 1, ATTENUATED. Identifiers: MedGen C2713442, MONDO:0021056, OMIM 175100. Disease mechanism: loss of function.

Submissions (3):

Myriad Genetics, Inc.
Classification: Pathogenic for Familial adenomatous polyposis 1. Last evaluated: 2023-05-04. Review status: criteria provided, single submitter. Criteria: Myriad Autosomal Dominant, Autosomal Recessive and X-Linked Classification Criteria (2023). Collection method: clinical testing. Allele origin: unknown.
Comment: This variant is considered pathogenic. This variant creates a termination codon and is predicted to result in premature protein truncation.

Labcorp Genetics (formerly Invitae), Labcorp
Classification: Pathogenic for Familial adenomatous polyposis 1. Last evaluated: 2023-03-02. Review status: criteria provided, single submitter. Criteria: Invitae Variant Classification Sherloc (09022015). Collection method: clinical testing. Allele origin: germline.
Comment: For these reasons, this variant has been classified as Pathogenic. A different truncation (p.Tyr2645Lysfs*14) that lies downstream of this variant has been determined to be pathogenic (PMID: 9824584, 1316610, 27081525, 8381579, 22135120, Invitae). This suggests that deletion of this region of the APC protein is causative of disease. This variant is expected to disrupt the EB1 and HDLG binding sites, which mediate interactions with the cytoskeleton (PMID: 15311282, 17293347). While functional studies have not been performed to directly test the effect on APC protein function, this suggests that disruption of the C-terminal portion of the protein is functionally important. ClinVar contains an entry for this variant (Variation ID: 1072880). A different variant (c.2705C>G) giving rise to the same protein effect has been determined to be pathogenic (PMID: 16478792). This suggests that this variant is also likely to be causative of disease. This variant is not present in population databases (gnomAD no frequency). This sequence change creates a premature translational stop signal (p.Ser836*) in the APC gene. While this is not anticipated to result in nonsense mediated decay, it is expected to disrupt the last 2008 amino acid(s) of the APC protein.

Ambry Genetics
Classification: Pathogenic for Hereditary cancer-predisposing syndrome. Last evaluated: 2023-02-16. Review status: criteria provided, single submitter. Criteria: Ambry Variant Classification Scheme 2023. Collection method: clinical testing. Allele origin: germline.
Comment: The p.S836* pathogenic mutation (also known as c.2507C>A), located in coding exon 15 of the APC gene, results from a C to A substitution at nucleotide position 2507. This changes the amino acid from a serine to a stop codon within coding exon 15. This alteration is expected to result in loss of function by premature protein truncation. This alteration has been observed in at least one individual with a personal and/or family history that is consistent with Familial Adenomatous Polyposis (Ambry internal data). This variant is considered to be rare based on population cohorts in the Genome Aggregation Database (gnomAD). As such, this alteration is interpreted as a disease-causing mutation.

Literature cited by the submitters: PubMed 9824584 (cited by Labcorp Genetics (formerly Invitae), Labcorp); PubMed 1316610 (cited by Labcorp Genetics (formerly Invitae), Labcorp); PubMed 27081525 (cited by Labcorp Genetics (formerly Invitae), Labcorp); PubMed 8381579 (cited by Labcorp Genetics (formerly Invitae), Labcorp); PubMed 22135120 (cited by Labcorp Genetics (formerly Invitae), Labcorp); PubMed 15311282 (cited by Labcorp Genetics (formerly Invitae), Labcorp); PubMed 17293347 (cited by Labcorp Genetics (formerly Invitae), Labcorp); PubMed 16478792 (cited by Labcorp Genetics (formerly Invitae), Labcorp and Ambry Genetics).